The following is an entry in ClinVar:

ClinVar aggregate classification (germline): Benign/Likely benign. Review status: criteria provided, multiple submitters, no conflicts (2 of 4 stars). 5 submissions from 5 submitters: Benign (4); Likely benign (1). Last evaluated 2026-09-01.

Allele frequency attached by ClinVar (database versions not stated): 1000 Genomes Project 0.00220; 1000 Genomes Project 30x 0.00265; ExAC 0.00405; gnomAD exomes 0.00421 and 0.00638; gnomAD 0.00433 and 0.00442; TOPMed 0.00497; ESP Exome Variant Server 0.00569.
gnomAD v4.1: 9,919 of 1,612,428 alleles (0.62%); highest among the groups gnomAD compares: Non-Finnish European, 0.74%; 30 homozygotes.

Submissions (5):

CeGaT Center for Human Genetics Tuebingen
Classification: Benign. Last evaluated: 2026-09-01. Review status: criteria provided, single submitter. Criteria: CeGaT Center For Human Genetics Tuebingen Variant Classification Criteria Version 2. Collection method: clinical testing. Allele origin: germline. Affected: yes. Observed: 28 variant alleles.
Comment: PUM1: BP4, BS1, BS2

Blueprint Genetics
Classification: Likely benign. Last evaluated: 2024-11-25. Review status: criteria provided, single submitter. Criteria: ACMG Guidelines, 2015. Collection method: clinical testing. Allele origin: germline.

Mayo Clinic Laboratories, Mayo Clinic
Classification: Benign. Last evaluated: 2023-12-14. Review status: criteria provided, single submitter. Criteria: ACMG Guidelines, 2015. Collection method: clinical testing. Allele origin: germline. Observed: 5 variant alleles.
Comment: BA1, BP4, BP7

Labcorp Genetics (formerly Invitae), Labcorp
Classification: Benign. Last evaluated: 2019-12-31. Review status: criteria provided, single submitter. Criteria: Invitae Variant Classification Sherloc (09022015). Collection method: clinical testing. Allele origin: germline.

Breakthrough Genomics
Classification: Benign. Review status: criteria provided, single submitter. Criteria: ACMG Guidelines, 2015. Collection method: not provided. Allele origin: germline. Inheritance: Autosomal dominant inheritance. Affected: yes.

NM_001020658.2(PUM1):c.2727C>T (p.Gly909=)

Gene: PUM1 (pumilio RNA binding family member 1; minus strand). Cytogenetic location: 1p35.2.
Variant type: single nucleotide variant.
Coding change: c.2727C>T on transcript NM_001020658.2 (MANE Select); coding-DNA position 2727, C replaced by T.
Protein change: p.Gly909=; no amino-acid change (glycine 909 retained).
Molecular consequence: synonymous variant.
Genome position (GRCh38, 1-based): chr1:30,950,256, G>A on the plus strand (C>T on the coding strand, the complement: PUM1 is on the minus strand). VCF-style: chr1-30950256-G-A. GRCh37 (hg19) VCF-style: chr1-31423103-G-A.
Other names: p.Gly909=; c.2727C>T, p.Gly909= (NM_014676.3).
Identifiers: ClinVar variation 788765 (VCV000788765.37), dbSNP rs150516130, ClinGen allele CA728899.